The following is an entry in ClinVar:

NM_005422.4(TECTA):c.454G>C (p.Val152Leu)

Genes: TBCEL-TECTA (TBCEL-TECTA readthrough; plus strand), TECTA (tectorin alpha; plus strand). Cytogenetic location: 11q23.3.
Variant type: single nucleotide variant.
Coding change: c.454G>C on transcript NM_005422.4 (MANE Select); coding-DNA position 454, G replaced by C.
Protein change: p.Val152Leu; replaces valine 152 with leucine.
Molecular consequence: missense variant.
Genome position (GRCh38, 1-based): chr11:121,109,466, G>C. VCF-style: chr11-121109466-G-C. GRCh37 (hg19) VCF-style: chr11-120980175-G-C.
Other names: c.1411G>C, p.Val471Leu (NM_001378761.1); short protein forms V152L, V471L.
Identifiers: ClinVar variation 2958419 (VCV002958419.4), dbSNP rs1946423328, ClinGen allele CA383020976.

ClinVar aggregate classification (germline): Uncertain significance. Review status: criteria provided, multiple submitters, no conflicts (2 of 4 stars). 2 submissions from 2 submitters: Uncertain significance (2). Last evaluated 2024-05-30.

Conditions:
Inborn genetic diseases. Identifiers: MedGen C0950123, MeSH D030342.

Allele frequency attached by ClinVar (database versions not stated): gnomAD exomes below 0.00001.
gnomAD v4.1: 1 of 1,614,180 alleles (0.000062%); highest among the groups gnomAD compares: Middle Eastern, 0.016%; no homozygotes.

Submissions (2):

Ambry Genetics
Classification: Uncertain significance for Inborn genetic diseases. Last evaluated: 2024-05-30. Review status: criteria provided, single submitter. Criteria: Ambry Variant Classification Scheme 2023. Collection method: clinical testing. Allele origin: germline.

Labcorp Genetics (formerly Invitae), Labcorp
Classification: Uncertain significance. Last evaluated: 2023-10-02. Review status: criteria provided, single submitter. Criteria: Invitae Variant Classification Sherloc (09022015). Collection method: clinical testing. Allele origin: germline.
Comment: In summary, the available evidence is currently insufficient to determine the role of this variant in disease. Therefore, it has been classified as a Variant of Uncertain Significance. Advanced modeling of protein sequence and biophysical properties (such as structural, functional, and spatial information, amino acid conservation, physicochemical variation, residue mobility, and thermodynamic stability) performed at Invitae indicates that this missense variant is not expected to disrupt TECTA protein function. This variant has not been reported in the literature in individuals affected with TECTA-related conditions. This variant is not present in population databases (gnomAD no frequency). This sequence change replaces valine, which is neutral and non-polar, with leucine, which is neutral and non-polar, at codon 152 of the TECTA protein (p.Val152Leu).